The following is an entry in ClinVar:

ClinVar aggregate classification (germline): Uncertain significance. Review status: criteria provided, multiple submitters, no conflicts (2 of 4 stars). 2 submissions from 2 submitters: Uncertain significance (2). Last evaluated 2026-04-14.

Conditions:
NRP2-related disorder. Also called: NRP2-related condition.

Allele frequency attached by ClinVar (database versions not stated): gnomAD exomes 0.00002; TOPMed 0.00003; ExAC 0.00006; gnomAD 0.00007; 1000 Genomes Project 30x 0.00031; 1000 Genomes Project 0.00040.
gnomAD v4.1: 49 of 1,614,108 alleles (0.003%); highest among the groups gnomAD compares: South Asian, 0.021%; no homozygotes.

Submissions (2):

PreventionGenetics, part of Exact Sciences
Classification: Uncertain significance for NRP2-related condition. Last evaluated: 2026-04-14. Review status: criteria provided, single submitter. Criteria: ACMG Guidelines, 2015. Collection method: clinical testing. Allele origin: germline.
Comment: The NRP2 c.904G>A variant is predicted to result in the amino acid substitution p.Gly302Arg. To our knowledge, this variant has not been reported in the literature. This variant is reported in 0.033% of alleles in individuals of East Asian descent in gnomAD. At this time, the clinical significance of this variant is uncertain due to the absence of conclusive functional and genetic evidence.

Ambry Genetics
Classification: Uncertain significance. Last evaluated: 2021-07-06. Review status: criteria provided, single submitter. Criteria: Ambry Variant Classification Scheme 2023. Collection method: clinical testing. Allele origin: germline.

NM_003872.3(NRP2):c.904G>A (p.Gly302Arg)

Gene: NRP2 (neuropilin 2; plus strand). Cytogenetic location: 2q33.3.
Variant type: single nucleotide variant.
Coding change: c.904G>A on transcript NM_003872.3 (MANE Select); coding-DNA position 904, G replaced by A.
Protein change: p.Gly302Arg; replaces glycine 302 with arginine.
Molecular consequence: missense variant.
Genome position (GRCh38, 1-based): chr2:205,725,996, G>A. VCF-style: chr2-205725996-G-A. GRCh37 (hg19) VCF-style: chr2-206590720-G-A.
Other names: c.904G>A, p.Gly302Arg (NM_018534.4, NM_201264.2, NM_201266.2 and 2 more transcripts); short protein forms G302R.
Identifiers: ClinVar variation 2361953 (VCV002361953.3), dbSNP rs368857132, ClinGen allele CA2068954.